The following is an entry in ClinVar:

ClinVar aggregate classification (germline): Likely pathogenic (1 of 4 stars; one submission).

gnomAD v4.1: 4 of 1,597,350 alleles (0.00025%); highest among the groups gnomAD compares: African/African-American, 0.0027%; no homozygotes.

Submission:

Mayo Clinic Laboratories, Mayo Clinic
Classification: Likely pathogenic. Last evaluated: 2025-11-16. Review status: criteria provided, single submitter. Criteria: ACMG Guidelines, 2015. Collection method: clinical testing. Allele origin: germline. Observed: 2 variant alleles.
Comment: PP3, PM2_supporting, PM3, PS3_moderate

Literature cited by the submitters: PubMed 26342041; PubMed 29554699; PubMed 34789164; PubMed 37647632.

NM_139027.6(ADAMTS13):c.2281G>A (p.Gly761Ser)

Gene: ADAMTS13 (ADAM metallopeptidase with thrombospondin type 1 motif 13; plus strand). Cytogenetic location: 9q34.2.
Variant type: single nucleotide variant.
Coding change: c.2281G>A on transcript NM_139027.6 (MANE Select); coding-DNA position 2281, G replaced by A.
Protein change: p.Gly761Ser; replaces glycine 761 with serine.
Molecular consequence: missense variant.
Genome position (GRCh38, 1-based): chr9:133,443,422, G>A. VCF-style: chr9-133443422-G-A. GRCh37 (hg19) VCF-style: chr9-136308543-G-A.
Other names: p.Gly761Ser; c.2281G>A, p.Gly761Ser (NM_139025.5); c.2188G>A, p.Gly730Ser (NM_139026.6); short protein forms G761S, G730S.
Identifiers: ClinVar variation 4541506 (VCV004541506.1).
Genomic context (GRCh38, chr9:133,443,422, plus strand): 5'-GTCTCCTTCCTCAGCTGGGCGGTGGGAGACTTCGGCCCATGCAGCGCCTCCTGTGGGGGT[G>A]GCCTGCGGGAGCGGCCAGTGCGCTGCGTGGAGGCCCAGGGCAGCCTCCTGAAGACATTGC-3'
Protein context (NP_620596.2, residues 751-771): FGPCSASCGG[Gly761Ser]LRERPVRCVE